The following is an entry in ClinVar:

ClinVar aggregate classification (germline): Uncertain significance (1 of 4 stars; one submission).

Conditions:
Inborn genetic diseases. Identifiers: MedGen C0950123, MeSH D030342.

Submission:

Ambry Genetics
Classification: Uncertain significance for Inborn genetic diseases. Last evaluated: 2026-03-19. Review status: criteria provided, single submitter. Criteria: Ambry Variant Classification Scheme 2023. Collection method: clinical testing. Allele origin: germline.
Comment: The p.V719M variant (also known as c.2155G>A), located in coding exon 24 of the FANCA gene, results from a G to A substitution at nucleotide position 2155. The valine at codon 719 is replaced by methionine, an amino acid with highly similar properties. This amino acid position is conserved. In addition, the in silico prediction for this alteration is inconclusive. Based on the available evidence, the clinical significance of this variant remains unclear.

NM_000135.4(FANCA):c.2155G>A (p.Val719Met)

Gene: FANCA (FA complementation group A; minus strand). Cytogenetic location: 16q24.3.
Variant type: single nucleotide variant.
Coding change: c.2155G>A on transcript NM_000135.4 (MANE Select); coding-DNA position 2155, G replaced by A.
Protein change: p.Val719Met; replaces valine 719 with methionine.
Molecular consequence: missense variant.
Genome position (GRCh38, 1-based): chr16:89,770,631, C>T on the plus strand (G>A on the coding strand, the complement: FANCA is on the minus strand). VCF-style: chr16-89770631-C-T. GRCh37 (hg19) VCF-style: chr16-89837039-C-T.
Other names: c.2155G>A, p.Val719Met (NM_001286167.3); short protein forms V719M.
Identifiers: ClinVar variation 4870793 (VCV004870793.1).